The following is an entry in ClinVar:

ClinVar aggregate classification (germline): Uncertain significance. Review status: criteria provided, multiple submitters, no conflicts (2 of 4 stars). 3 submissions from 3 submitters: Uncertain significance (3). Last evaluated 2026-05-10.

Conditions:
Congenital myasthenic syndrome 10. Also called: Myasthenia, limb-girdle, familial. Identifiers: Orphanet 590, MedGen C1850792, MONDO:0009690, OMIM 254300.
Fetal akinesia deformation sequence 1 (FADS1). Also called: Fetal akinesia sequence; Pena-Shokeir syndrome type I. Identifiers: Orphanet 994, MedGen C1276035, MONDO:0100101, OMIM 208150, HP:0001989.
Inborn genetic diseases. Identifiers: MedGen C0950123, MeSH D030342.

Allele frequency attached by ClinVar (database versions not stated): gnomAD exomes 0.00002 and 0.00006; TOPMed 0.00003; gnomAD 0.00003 and 0.00002; ExAC 0.00003.
gnomAD v4.1: 36 of 1,605,934 alleles (0.0022%); highest among the groups gnomAD compares: Middle Eastern, 0.033%; no homozygotes.

Submissions (3):

Ambry Genetics
Classification: Uncertain significance for Inborn genetic diseases. Last evaluated: 2026-05-10. Review status: criteria provided, single submitter. Criteria: Ambry Variant Classification Scheme 2023. Collection method: clinical testing. Allele origin: germline.

Labcorp Genetics (formerly Invitae), Labcorp
Classification: Uncertain significance for Congenital myasthenic syndrome 10; Fetal akinesia deformation sequence 1. Last evaluated: 2022-07-15. Review status: criteria provided, single submitter. Criteria: Invitae Variant Classification Sherloc (09022015). Collection method: clinical testing. Allele origin: germline.
Comment: This sequence change replaces serine, which is neutral and polar, with leucine, which is neutral and non-polar, at codon 186 of the DOK7 protein (p.Ser186Leu). The frequency data for this variant in the population databases is considered unreliable, as metrics indicate poor data quality at this position in the gnomAD database. This variant has not been reported in the literature in individuals affected with DOK7-related conditions. ClinVar contains an entry for this variant (Variation ID: 1035828). Algorithms developed to predict the effect of missense changes on protein structure and function are either unavailable or do not agree on the potential impact of this missense change (SIFT: "Tolerated"; PolyPhen-2: "Probably Damaging"; Align-GVGD: "Class C0"). In summary, the available evidence is currently insufficient to determine the role of this variant in disease. Therefore, it has been classified as a Variant of Uncertain Significance.

GeneDx
Classification: Uncertain significance. Last evaluated: 2021-10-01. Review status: criteria provided, single submitter. Criteria: GeneDx Variant Classification Process June 2021. Collection method: clinical testing. Allele origin: germline. Affected: yes.
Comment: Has not been previously published as pathogenic or benign to our knowledge; In silico analysis supports that this missense variant has a deleterious effect on protein structure/function; This variant is associated with the following publications: (PMID: 26198629)

NM_173660.5(DOK7):c.557C>T (p.Ser186Leu)

Genes: DOK7 (docking protein 7; plus strand), LOC126806951 (CDK7 strongly-dependent group 2 enhancer GRCh37_chr4:3486115-3487314; plus strand). Cytogenetic location: 4p16.3.
Variant type: single nucleotide variant.
Coding change: c.557C>T on transcript NM_173660.5 (MANE Select); coding-DNA position 557, C replaced by T.
Protein change: p.Ser186Leu; replaces serine 186 with leucine.
Molecular consequence: missense variant. On other transcripts: synonymous variant (1), 5 prime UTR variant (1).
Genome position (GRCh38, 1-based): chr4:3,485,563, C>T. VCF-style: chr4-3485563-C-T. GRCh37 (hg19) VCF-style: chr4-3487290-C-T.
Other names: c.546C>T, p.Leu182= (NM_001164673.2); c.-374C>T (NM_001256896.2); c.557C>T, p.Ser186Leu (NM_001301071.2); c.125C>T, p.Ser42Leu (NM_001363811.2); short protein forms S186L, S42L.
Identifiers: ClinVar variation 1035828 (VCV001035828.10), dbSNP rs772577244, ClinGen allele CA2829058.